The following is an entry in ClinVar:

NM_145290.4(ADGRA3):c.49C>G (p.Leu17Val)

Gene: ADGRA3 (adhesion G protein-coupled receptor A3; minus strand). Cytogenetic location: 4p15.2.
Variant type: single nucleotide variant.
Coding change: c.49C>G on transcript NM_145290.4 (MANE Select); coding-DNA position 49, C replaced by G.
Protein change: p.Leu17Val; replaces leucine 17 with valine.
Molecular consequence: missense variant.
Genome position (GRCh38, 1-based): chr4:22,515,736, G>C on the plus strand (C>G on the coding strand, the complement: ADGRA3 is on the minus strand). VCF-style: chr4-22515736-G-C. GRCh37 (hg19) VCF-style: chr4-22517359-G-C.
Other names: short protein forms L17V.
Identifiers: ClinVar variation 1355944 (VCV001355944.6), dbSNP rs1409980766, ClinGen allele CA356507944.

ClinVar aggregate classification (germline): Uncertain significance (1 of 4 stars; one submission).

Submission:

Labcorp Genetics (formerly Invitae), Labcorp
Classification: Uncertain significance. Last evaluated: 2025-05-23. Review status: criteria provided, single submitter. Criteria: Invitae Variant Classification Sherloc (09022015). Collection method: clinical testing. Allele origin: germline.
Comment: This sequence change replaces leucine, which is neutral and non-polar, with valine, which is neutral and non-polar, at codon 17 of the ADGRA3 protein (p.Leu17Val). The frequency data for this variant in the population databases is considered unreliable, as metrics indicate insufficient coverage at this position in the gnomAD database. This variant has not been reported in the literature in individuals affected with ADGRA3-related conditions. ClinVar contains an entry for this variant (Variation ID: 1355944). Experimental studies and prediction algorithms are not available or were not evaluated, and the functional significance of this variant is currently unknown. In summary, the available evidence is currently insufficient to determine the role of this variant in disease. Therefore, it has been classified as a Variant of Uncertain Significance.